The following is an entry in ClinVar:

ClinVar aggregate classification (germline): Pathogenic. Review status: criteria provided, multiple submitters, no conflicts (2 of 4 stars). 12 submissions from 12 submitters: Pathogenic (11). 1 of the submissions does not count toward it. Last evaluated 2025-09-24.

Conditions:
COACH syndrome 2. Identifiers: MedGen C5436837, MONDO:0030859, OMIM 619111.
Joubert syndrome 9 (JBTS9). Identifiers: Orphanet 2318, MedGen C2676788, MONDO:0012849, OMIM 612285.
Meckel syndrome, type 6. Identifiers: Orphanet 564, MedGen C2676790, MONDO:0012848, OMIM 612284.
Retinitis pigmentosa 93. Identifiers: MedGen C5676970, MONDO:0030797, OMIM 619845.
CC2D2A-related disorder. Also called: CC2D2A-related disorders; CC2D2A-related condition. Identifiers: MedGen CN239313.
Joubert syndrome and related disorders. Identifiers: Orphanet 140874, MedGen C5679612, MONDO:0015369.
Joubert syndrome. Also called: JOUBERT-BOLTSHAUSER SYNDROME; Familial aplasia of the vermis. Identifiers: Orphanet 475, MedGen C5979921, MONDO:0018772.
Meckel-Gruber syndrome. Also called: GRUBER SYNDROME; DYSENCEPHALIA SPLANCHNOCYSTICA; Dysencephalia splachnocystica. Identifiers: Orphanet 564, MedGen C0265215, MONDO:0018921.
Inborn genetic diseases. Identifiers: MedGen C0950123, MeSH D030342.

Allele frequency attached by ClinVar (database versions not stated): gnomAD exomes 0.00001; TOPMed 0.00005; ExAC below 0.00001.
gnomAD v4.1: 35 of 1,549,740 alleles (0.0023%); highest among the groups gnomAD compares: South Asian, 0.0072%; no homozygotes.

Submissions (12):

Labcorp Genetics (formerly Invitae), Labcorp
Classification: Pathogenic for Joubert syndrome; Meckel-Gruber syndrome. Last evaluated: 2025-09-24. Review status: criteria provided, single submitter. Criteria: Invitae Variant Classification Sherloc (09022015). Collection method: clinical testing. Allele origin: germline.
Comment: This sequence change creates a premature translational stop signal (p.Arg950*) in the CC2D2A gene. It is expected to result in an absent or disrupted protein product. Loss-of-function variants in CC2D2A are known to be pathogenic (PMID: 19777577). The frequency data for this variant in the population databases is considered unreliable, as metrics indicate poor data quality at this position in the gnomAD database. This premature translational stop signal has been observed in individuals with clinical features of Joubert syndrome (PMID: 18950740, 27959436, 31618753). ClinVar contains an entry for this variant (Variation ID: 745). For these reasons, this variant has been classified as Pathogenic.

Myriad Genetics, Inc.
Classification: Pathogenic for Joubert syndrome and related disorders. Last evaluated: 2024-05-18. Review status: criteria provided, single submitter. Criteria: Myriad Autosomal Dominant, Autosomal Recessive and X-Linked Classification Criteria (2023). Collection method: clinical testing. Allele origin: unknown.
Comment: NM_001080522.2(CC2D2A):c.2848C>T(R950*) is expected to be pathogenic in the context of CC2D2A-related disorders. This variant is predicted to lead to an abnormal or absent protein product due to the creation of a premature termination codon in CC2D2A, a gene where loss-of-function variants are known to be pathogenic. Please note: this variant was assessed in the context of healthy population screening.

GeneDx
Classification: Pathogenic. Last evaluated: 2023-08-22. Review status: criteria provided, single submitter. Criteria: GeneDx Variant Classification Process June 2021. Collection method: clinical testing. Allele origin: germline. Affected: yes.
Comment: Nonsense variant predicted to result in protein truncation or nonsense mediated decay in a gene for which loss-of-function is a known mechanism of disease; Not observed at significant frequency in large population cohorts (gnomAD); This variant is associated with the following publications: (PMID: 25525159, 26092869, 27959436, 31618753, 18950740)

PreventionGenetics, part of Exact Sciences
Classification: Pathogenic for CC2D2A-related condition. Last evaluated: 2023-06-12. Review status: criteria provided, single submitter. Criteria: ACMG Guidelines, 2015. Collection method: clinical testing. Allele origin: germline.
Comment: The CC2D2A c.2848C>T variant is predicted to result in premature protein termination (p.Arg950*). This variant has been reported in individuals with Joubert syndrome (Gorden et al 2008. PubMed ID: 18950740; Xiao D et al 2016. PubMed ID: 27959436; Table S1, Ziats MN et al 2019. PubMed ID: 31618753). This variant is reported in 0.0041% of alleles in individuals of Latino descent in gnomAD. Nonsense variants in CC2D2A are expected to be pathogenic. This variant is interpreted as pathogenic.

Mayo Clinic Laboratories, Mayo Clinic
Classification: Pathogenic. Last evaluated: 2023-03-22. Review status: criteria provided, single submitter. Criteria: ACMG Guidelines, 2015. Collection method: clinical testing. Allele origin: germline. Observed: 1 variant allele.
Comment: PM2, PS4_moderate, PVS1

Blueprint Genetics
Classification: Pathogenic for CC2D2A-related disorders. Last evaluated: 2023-01-02. Review status: criteria provided, single submitter. Criteria: ACMG Guidelines, 2015. Collection method: clinical testing. Allele origin: germline. Affected: yes. Observed: 5 variant alleles.

Ambry Genetics
Classification: Pathogenic for Inborn genetic diseases. Last evaluated: 2017-11-10. Review status: criteria provided, single submitter. Criteria: Ambry exome assertion method (8-5-2015). Collection method: clinical testing. Allele origin: germline. Affected: yes. Observed: 1 variant allele.

Eurofins Ntd Llc (ga)
Classification: Pathogenic. Last evaluated: 2017-03-20. Review status: criteria provided, single submitter. Criteria: EGL Classification Definitions 2015. Collection method: clinical testing. Allele origin: germline. Observed: 3 variant alleles, 1 heterozygote.

UW Hindbrain Malformation Research Program, University of Washington
Classification: Pathogenic for Joubert syndrome 9. Last evaluated: 2015-02-23. Review status: criteria provided, single submitter. Criteria: Bachmann-Gagescu et al. (J Med Genet. 2015). Collection method: research. Allele origin: unknown. Affected: yes.

Juno Genomics, Hangzhou Juno Genomics, Inc
Classification: Pathogenic for Retinitis pigmentosa 93; COACH syndrome 2; Joubert syndrome 9; Meckel syndrome, type 6. Review status: criteria provided, single submitter. Criteria: ACMG Guidelines, 2015. Collection method: clinical testing. Allele origin: germline. Affected: yes.
Comment: Absent from controls (or at extremely low frequency if recessive) in Genome Aggregation Database.;Null variant in a gene where loss of function (LOF) is a known mechanism of disease.;For recessive disorders, detected in trans with a pathogenic variant.;Patient's phenotype or family history is highly specific for a disease with a single genetic etiology.

Kariminejad - Najmabadi Pathology & Genetics Center
Classification: Pathogenic for COACH syndrome 2. Review status: criteria provided, single submitter. Criteria: ACMG Guidelines, 2015. Collection method: clinical testing. Allele origin: germline. Affected: no.

OMIM
Classification: Pathogenic for JOUBERT SYNDROME 9. Last evaluated: 2008-11-01. Review status: no assertion criteria provided. Collection method: literature only. Allele origin: germline. Not counted in ClinVar's aggregate classification.

Literature cited by the submitters: PubMed 19777577 (cited by Labcorp Genetics (formerly Invitae), Labcorp); PubMed 18950740 (cited by 4 submitters); PubMed 27959436 (cited by 3 submitters); PubMed 31618753 (cited by Labcorp Genetics (formerly Invitae), Labcorp and Mayo Clinic Laboratories, Mayo Clinic); PubMed 25525159 (cited by Mayo Clinic Laboratories, Mayo Clinic); PubMed 3631907 (cited by Mayo Clinic Laboratories, Mayo Clinic).

NM_001378615.1(CC2D2A):c.2848C>T (p.Arg950Ter)

Genes: CC2D2A (coiled-coil and C2 domain containing 2A; plus strand), FBXL5 (F-box and leucine rich repeat protein 5; minus strand). Cytogenetic location: 4p15.32.
Variant type: single nucleotide variant.
Coding change: c.2848C>T on transcript NM_001378615.1 (MANE Select); coding-DNA position 2848, C replaced by T.
Protein change: p.Arg950Ter; replaces arginine 950 with a stop codon.
Molecular consequence: nonsense.
Genome position (GRCh38, 1-based): chr4:15,559,183, C>T. VCF-style: chr4-15559183-C-T. GRCh37 (hg19) VCF-style: chr4-15560806-C-T.
Other names: p.Arg950*; c.2848C>T, p.Arg950Ter (NM_001080522.2); c.2701C>T, p.Arg901Ter (NM_001378617.1); short protein forms R950*, R901*.
Identifiers: ClinVar variation 745 (VCV000000745.23), dbSNP rs118204053, ClinGen allele CA114473.